The following is an entry in ClinVar:

NM_000257.4(MYH7):c.5131G>A (p.Glu1711Lys)

Genes: MHRT (myosin heavy chain associated RNA transcript; plus strand), MYH7 (myosin heavy chain 7; minus strand), LOC126861897 (BRD4-independent group 4 enhancer GRCh37_chr14:23884455-23885654; plus strand). Cytogenetic location: 14q11.2.
Variant type: single nucleotide variant.
Coding change: c.5131G>A on transcript NM_000257.4 (MANE Select); coding-DNA position 5131, G replaced by A.
Protein change: p.Glu1711Lys; replaces glutamic acid 1711 with lysine.
Molecular consequence: missense variant. On other transcripts: non-coding transcript variant (1).
Genome position (GRCh38, 1-based): chr14:23,415,655, C>T on the plus strand (G>A on the coding strand, the complement: MYH7 is on the minus strand). VCF-style: chr14-23415655-C-T. GRCh37 (hg19) VCF-style: chr14-23884864-C-T.
Other names: short protein forms E1711K.
Identifiers: ClinVar variation 1321135 (VCV001321135.3), dbSNP rs2138640099, ClinGen allele CA389036902.

ClinVar aggregate classification (germline): Uncertain significance (1 of 4 stars; one submission).

Submission:

GeneDx
Classification: Uncertain significance. Last evaluated: 2022-02-09. Review status: criteria provided, single submitter. Criteria: GeneDx Variant Classification Process June 2021. Collection method: clinical testing. Allele origin: germline. Affected: yes.
Comment: Has not been previously published as pathogenic or benign to our knowledge; Not observed in large population cohorts (gnomAD); In silico analysis supports that this missense variant has a deleterious effect on protein structure/function